The following is an entry in ClinVar:

NM_139318.5(KCNH5):c.49G>T (p.Glu17Ter)

Gene: KCNH5 (potassium voltage-gated channel subfamily H member 5; minus strand). Cytogenetic location: 14q23.2.
Variant type: single nucleotide variant.
Coding change: c.49G>T on transcript NM_139318.5 (MANE Select); coding-DNA position 49, G replaced by T.
Protein change: p.Glu17Ter; replaces glutamic acid 17 with a stop codon.
Molecular consequence: nonsense.
Genome position (GRCh38, 1-based): chr14:63,045,138, C>A on the plus strand (G>T on the coding strand, the complement: KCNH5 is on the minus strand). VCF-style: chr14-63045138-C-A. GRCh37 (hg19) VCF-style: chr14-63511856-C-A.
Other names: c.49G>T, p.Glu17Ter (NM_172375.3); short protein forms E17*.
Identifiers: ClinVar variation 3774702 (VCV003774702.1).

ClinVar aggregate classification (germline): Uncertain significance (1 of 4 stars; one submission).

Submission:

GeneDx
Classification: Uncertain significance. Last evaluated: 2024-09-30. Review status: criteria provided, single submitter. Criteria: GeneDx Variant Classification Process June 2021. Collection method: clinical testing. Allele origin: germline. Affected: yes.
Comment: Not observed at significant frequency in large population cohorts (gnomAD); Has not been previously published as pathogenic or benign to our knowledge; Nonsense variant predicted to result in protein truncation or nonsense mediated decay in a gene for which loss-of-function is not an established mechanism of disease